The following is an entry in ClinVar:

ClinVar aggregate classification (germline): Pathogenic (1 of 4 stars; one submission).

Submission:

GeneDx
Classification: Pathogenic. Last evaluated: 2019-01-09. Review status: criteria provided, single submitter. Criteria: GeneDx Variant Classification (06012015). Collection method: clinical testing. Allele origin: germline. Affected: yes.
Comment: The c.4685_4689dupGCAGT variant in the MED13 gene has not been reported previously as a pathogenic variant nor as a benign variant, to our knowledge. This variant causes a frameshift starting with codon Methionine 1564, changes this amino acid to an Alanine residue, and creates a premature Stop codon at position 3 of the new reading frame, denoted p.Met1564AlafsX3. This variant is predicted to cause loss of normal protein function either through protein truncation or nonsense-mediated mRNA decay. The c.4685_4689dupGCAGT variant is not observed in large population cohorts (Lek et al., 2016). We interpret c.4685_4689dupGCAGT as a pathogenic variant

NM_005121.3(MED13):c.4685_4689dup (p.Met1564fs)

Gene: MED13 (mediator complex subunit 13; minus strand). Cytogenetic location: 17q23.2.
Variant type: Duplication.
Coding change: c.4685_4689dup on transcript NM_005121.3 (MANE Select); coding-DNA positions 4685 to 4689, 5 bases duplicated (GCAGT; older notation c.4685_4689dupGCAGT).
Protein change: p.Met1564fs; shifts the reading frame from methionine 1564.
Molecular consequence: frameshift variant.
Genome position (GRCh38, 1-based): chr17:61,965,161-61,965,165, ACTGC duplicated on the plus strand (GCAGT on the coding strand, the reverse complement: MED13 is on the minus strand). VCF-style (leftmost placement, unchanged base first): chr17-61965160-T-TACTGC. GRCh37 (hg19) VCF-style: chr17-60042521-T-TACTGC.
Other names: short protein forms M1564fs.
Identifiers: ClinVar variation 817962 (VCV000817962.1), dbSNP rs1603392856, ClinGen allele CA915950683.